The following is an entry in ClinVar:

NM_000252.3(MTM1):c.64-14T>C

Gene: MTM1 (myotubularin 1; plus strand). Cytogenetic location: Xq28.
Variant type: single nucleotide variant.
Coding change: c.64-14T>C on transcript NM_000252.3 (MANE Select); 14 bases into the intron before coding-DNA position 64, T replaced by C.
Molecular consequence: intron variant.
Genome position (GRCh38, 1-based): chrX:150,596,484, T>C. VCF-style: chrX-150596484-T-C. GRCh37 (hg19) VCF-style: chrX-149764948-T-C.
Other names: c.64-14T>C (NM_001376908.1, NM_001376906.1, NM_001376907.1).
Identifiers: ClinVar variation 158992 (VCV000158992.22), dbSNP rs184956219, ClinGen allele CA172603.

ClinVar aggregate classification (germline): Benign/Likely benign. Review status: criteria provided, multiple submitters, no conflicts (2 of 4 stars). 8 submissions from 8 submitters: Benign (7); Likely benign (1). Last evaluated 2026-02-04.

Conditions:
Severe X-linked myotubular myopathy (CNMX). Also called: Myotubular myopathy, X-linked; MYOTUBULAR MYOPATHY 1; X-linked centronuclear myopathy. Identifiers: Orphanet 596, MedGen C0410203, MONDO:0010683, OMIM 310400.

Allele frequency attached by ClinVar (database versions not stated): 1000 Genomes Project 30x 0.00166; 1000 Genomes Project 0.00212; TOPMed 0.00317; gnomAD 0.00340; ESP Exome Variant Server 0.00398; gnomAD exomes 0.00466 and 0.00557; ExAC 0.00495.
gnomAD v4.1: 6,417 of 1,194,712 alleles (0.54%); highest among the groups gnomAD compares: South Asian, 1%; 18 homozygotes.

Submissions (8):

Labcorp Genetics (formerly Invitae), Labcorp
Classification: Benign for Severe X-linked myotubular myopathy. Last evaluated: 2026-02-04. Review status: criteria provided, single submitter. Criteria: Invitae Variant Classification Sherloc (09022015). Collection method: clinical testing. Allele origin: germline.

Genomic Medicine Center of Excellence, King Faisal Specialist Hospital and Research Centre
Classification: Likely benign. Last evaluated: 2025-08-18. Review status: criteria provided, single submitter. Criteria: ACMG Guidelines, 2015. Collection method: clinical testing. Allele origin: germline.

Blueprint Genetics
Classification: Benign. Last evaluated: 2024-11-27. Review status: criteria provided, single submitter. Criteria: ACMG Guidelines, 2015. Collection method: clinical testing. Allele origin: germline.

GeneDx
Classification: Benign. Last evaluated: 2016-09-29. Review status: criteria provided, single submitter. Criteria: GeneDx Variant Classification (06012015). Collection method: clinical testing. Allele origin: germline. Affected: yes.
Comment: This variant is considered likely benign or benign based on one or more of the following criteria: it is a conservative change, it occurs at a poorly conserved position in the protein, it is predicted to be benign by multiple in silico algorithms, and/or has population frequency not consistent with disease.

Eurofins Ntd Llc (ga)
Classification: Benign. Last evaluated: 2015-07-10. Review status: criteria provided, single submitter. Criteria: EGL Classification Definitions 2015. Collection method: clinical testing. Allele origin: germline. Observed: 1 variant allele, 1 hemizygote.

Genetic Services Laboratory, University of Chicago
Classification: Benign. Last evaluated: 2013-02-08. Review status: criteria provided, single submitter. Criteria: ACMG Guidelines, 2007. Collection method: clinical testing. Allele origin: germline. Inheritance: X-linked inheritance.

Breakthrough Genomics
Classification: Benign. Review status: criteria provided, single submitter. Criteria: ACMG Guidelines, 2015. Collection method: not provided. Allele origin: germline. Inheritance: X-linked inheritance. Affected: yes.

PreventionGenetics, part of Exact Sciences
Classification: Benign. Review status: criteria provided, single submitter. Criteria: ACMG Guidelines, 2015. Collection method: clinical testing. Allele origin: germline.